The following is an entry in ClinVar:

ClinVar aggregate classification (germline): Uncertain significance (1 of 4 stars; one submission).

Conditions:
Charcot-Marie-Tooth disease dominant intermediate B (CMTDIB). Also called: Charcot-Marie-Tooth disease dominant intermediate 1; CMT DI1; Charcot-Marie-Tooth disease dominant intermediate I; CHARCOT-MARIE-TOOTH NEUROPATHY, DOMINANT INTERMEDIATE B. Identifiers: Orphanet 100044, Orphanet 228179, MedGen C1847902, MONDO:0011674, OMIM 606482.

Submission:

Labcorp Genetics (formerly Invitae), Labcorp
Classification: Uncertain significance for Charcot-Marie-Tooth disease dominant intermediate B. Last evaluated: 2020-10-08. Review status: criteria provided, single submitter. Criteria: Invitae Variant Classification Sherloc (09022015). Collection method: clinical testing. Allele origin: germline.
Comment: This variant has not been reported in the literature in individuals with DNM2-related conditions. This variant is not present in population databases (ExAC no frequency). This sequence change replaces threonine with alanine at codon 280 of the DNM2 protein (p.Thr280Ala). The threonine residue is highly conserved and there is a small physicochemical difference between threonine and alanine. Algorithms developed to predict the effect of missense changes on protein structure and function output the following: SIFT: "Tolerated"; PolyPhen-2: "Benign"; Align-GVGD: "Class C0". The alanine amino acid residue is found in multiple mammalian species, suggesting that this missense change does not adversely affect protein function. These predictions have not been confirmed by published functional studies and their clinical significance is uncertain. In summary, the available evidence is currently insufficient to determine the role of this variant in disease. Therefore, it has been classified as a Variant of Uncertain Significance.

NM_001005361.3(DNM2):c.838A>G (p.Thr280Ala)

Gene: DNM2 (dynamin 2; plus strand). Cytogenetic location: 19p13.2.
Variant type: single nucleotide variant.
Coding change: c.838A>G on transcript NM_001005361.3 (MANE Select); coding-DNA position 838, A replaced by G.
Protein change: p.Thr280Ala; replaces threonine 280 with alanine.
Molecular consequence: missense variant.
Genome position (GRCh38, 1-based): chr19:10,783,109, A>G. VCF-style: chr19-10783109-A-G. GRCh37 (hg19) VCF-style: chr19-10893785-A-G.
Other names: c.838A>G, p.Thr280Ala (NM_001005360.3, NM_001005362.3, NM_001190716.2 and 1 more transcripts); short protein forms T280A.
Identifiers: ClinVar variation 1023385 (VCV001023385.8), dbSNP rs2071433079, ClinGen allele CA404045425.